The following is an entry in ClinVar:

NM_001110556.2(FLNA):c.5713C>T (p.Pro1905Ser)

Gene: FLNA (filamin A; minus strand). Cytogenetic location: Xq28.
Variant type: single nucleotide variant.
Coding change: c.5713C>T on transcript NM_001110556.2 (MANE Select); coding-DNA position 5713, C replaced by T.
Protein change: p.Pro1905Ser; replaces proline 1905 with serine.
Molecular consequence: missense variant.
Genome position (GRCh38, 1-based): chrX:154,353,701, G>A on the plus strand (C>T on the coding strand, the complement: FLNA is on the minus strand). VCF-style: chrX-154353701-G-A. GRCh37 (hg19) VCF-style: chrX-153582069-G-A.
Other names: c.5689C>T, p.Pro1897Ser (NM_001456.4); short protein forms P1897S, P1905S.
Identifiers: ClinVar variation 452547 (VCV000452547.2), dbSNP rs1557176274, ClinGen allele CA415199966.
Genomic context (GRCh38, chrX:154,353,701, plus strand): 5'-GGTAGGACACGCTGCATGTCCCATCCTGGTTGTCAGTGCAGCTGATTTCTGCTTTGGACG[G>A]GCCCTCAATGGCCAGAGACAGGCCCCCTGGAGAGAGCCGTGGGTGAGCATGGGAACTATG-3'
Protein context (NP_001104026.1, residues 1895-1915): EGGLSLAIEG[Pro1905Ser]SKAEISCTDN

ClinVar aggregate classification (germline): Uncertain significance (1 of 4 stars; one submission).

Allele frequency attached by ClinVar (database versions not stated): gnomAD exomes below 0.00001.
gnomAD v4.1: 1 of 1,210,438 alleles (0.000083%); highest among the groups gnomAD compares: Non-Finnish European, 0.00011%; no homozygotes.

Submission:

GeneDx
Classification: Uncertain significance. Last evaluated: 2017-10-16. Review status: criteria provided, single submitter. Criteria: GeneDx Variant Classification (06012015). Collection method: clinical testing. Allele origin: germline. Affected: yes.
Comment: The P1897S variant has not been published as a pathogenic variant, nor has it been reported as a benign variant to our knowledge. The P1897S variant is not observed in large population cohorts (Lek et al., 2016). This variant is a non-conservative amino acid substitution, which is likely to impact secondary protein structure as these residues differ in polarity, charge, size and/or other properties. This substitution occurs at a position that is conserved across species, and in silico analysis predicts this variant is probably damaging to the protein structure/function. However, missense variants in nearby residues have not been reported in the Human Gene Mutation Database in association with FLNA-related disorders (Stenson et al., 2014).